The following is an entry in ClinVar:

NM_000258.3(MYL3):c.307+15C>T

Gene: MYL3 (myosin light chain 3; minus strand). Cytogenetic location: 3p21.31.
Variant type: single nucleotide variant.
Coding change: c.307+15C>T on transcript NM_000258.3 (MANE Select); 15 bases into the intron after coding-DNA position 307, C replaced by T.
Molecular consequence: intron variant.
Genome position (GRCh38, 1-based): chr3:46,860,661, G>A on the plus strand (C>T on the coding strand, the complement: MYL3 is on the minus strand). VCF-style: chr3-46860661-G-A. GRCh37 (hg19) VCF-style: chr3-46902151-G-A.
Identifiers: ClinVar variation 227621 (VCV000227621.23), dbSNP rs184025552, ClinGen allele CA043412.

ClinVar aggregate classification (germline): Conflicting classifications of pathogenicity. Review status: criteria provided, conflicting classifications (1 of 4 stars). 11 submissions from 11 submitters: Uncertain significance (1); Benign (2); Likely benign (4). 4 of the submissions do not count toward it. Last evaluated 2026-01-31.

Conditions:
Hypertrophic cardiomyopathy 8. Also called: MYL3-Related Familial Hypertrophic Cardiomyopathy; CARDIOMYOPATHY, HYPERTROPHIC, MID-LEFT VENTRICULAR CHAMBER TYPE, 1. Identifiers: MedGen C1837471, MONDO:0012111, OMIM 608751.
Hypertrophic cardiomyopathy. Also called: HYPERTROPHIC MYOCARDIOPATHY. Identifiers: Orphanet 217569, MedGen C0007194, MeSH D002312, MONDO:0005045, HP:0001639.

Allele frequency attached by ClinVar (database versions not stated): 1000 Genomes Project 30x 0.00031; gnomAD exomes 0.00031; TOPMed 0.00031; gnomAD 0.00033 and 0.00036; 1000 Genomes Project 0.00040; ExAC 0.00047; ESP Exome Variant Server 0.00069.

Submissions (11):

Labcorp Genetics (formerly Invitae), Labcorp
Classification: Likely benign for Hypertrophic cardiomyopathy. Last evaluated: 2026-01-31. Review status: criteria provided, single submitter. Criteria: Invitae Variant Classification Sherloc (09022015). Collection method: clinical testing. Allele origin: germline.

Blueprint Genetics
Classification: Likely benign. Last evaluated: 2024-08-16. Review status: criteria provided, single submitter. Criteria: ACMG Guidelines, 2015. Collection method: clinical testing. Allele origin: germline.

Illumina Laboratory Services, Illumina
Classification: Uncertain significance for Hypertrophic cardiomyopathy 8. Last evaluated: 2018-01-12. Review status: criteria provided, single submitter. Criteria: ICSL Variant Classification Criteria 13 December 2019. Collection method: clinical testing. Allele origin: germline.

Women's Health and Genetics/Laboratory Corporation of America, LabCorp
Classification: Benign. Last evaluated: 2016-04-14. Review status: criteria provided, single submitter. Criteria: LabCorp Variant Classification Summary - May 2015. Collection method: clinical testing. Allele origin: germline.
Comment: Variant summary: The c.307+15C>T variant affects a non-conserved intronic nucleotide. One in-silico tool predicts benign outcome for this variant. 5/5 programs in Alamut predict that this variant does not affect normal splicing. This variant is found in 57/120478 control chromosomes at a frequency of 0.0004731, which is about 19 times of the maximal expected frequency of a pathogenic allele (0.000025), suggesting this variant is likely a benign polymorphism. The variant of interest has not, to our knowledge, been reported in affected individuals via publications and/or reputable databases/clinical laboratories; nor evaluated for functional impact by in vivo/vitro studies. Taken together, this variant was classified as Benign.

Clinical Genetics DNA and cytogenetics Diagnostics Lab, Erasmus MC, Erasmus Medical Center
Classification: Likely benign for Hypertrophic cardiomyopathy 8. Last evaluated: 2015-09-21. Review status: criteria provided, single submitter. Criteria: ACGS Guidelines, 2013. Collection method: clinical testing. Allele origin: germline. Affected: yes. Study: VKGL Data-share Consensus.

GeneDx
Classification: Benign. Last evaluated: 2015-03-03. Review status: criteria provided, single submitter. Criteria: GeneDx Variant Classification Process June 2021. Collection method: clinical testing. Allele origin: germline. Affected: yes.

Laboratory for Molecular Medicine, Mass General Brigham Personalized Medicine
Classification: Likely benign. Last evaluated: 2012-03-19. Review status: criteria provided, single submitter. Criteria: LMM Criteria. Collection method: clinical testing. Allele origin: germline. Observed: 1 variant allele.
Comment: c.307+15C>T in intron 3 of MYL3: This variant is not expected to have clinical s ignificance because it is not located within the splice consensus sequence. It h as been identified in 0.1% (4/7020) of European American chromosomes from a broa d population by the NHLBI Exome Sequencing Project (/EVS;).

Clinical Genetics, Academic Medical Center
Classification: Benign. Review status: no assertion criteria provided. Collection method: clinical testing. Allele origin: germline. Affected: yes. Study: VKGL Data-share Consensus. Not counted in ClinVar's aggregate classification.

Diagnostic Laboratory, Department of Genetics, University Medical Center Groningen
Classification: Likely benign for Hypertrophic cardiomyopathy 8. Review status: no assertion criteria provided. Collection method: clinical testing. Allele origin: germline. Affected: yes. Study: VKGL Data-share Consensus. Not counted in ClinVar's aggregate classification.

Genome Diagnostics Laboratory, University Medical Center Utrecht
Classification: Likely benign. Review status: no assertion criteria provided. Collection method: clinical testing. Allele origin: germline. Affected: yes. Study: VKGL Data-share Consensus. Not counted in ClinVar's aggregate classification.

Joint Genome Diagnostic Labs from Nijmegen and Maastricht, Radboudumc and MUMC+
Classification: Likely benign. Review status: no assertion criteria provided. Collection method: clinical testing. Allele origin: germline. Affected: yes. Study: VKGL Data-share Consensus. Not counted in ClinVar's aggregate classification.